The following is an entry in ClinVar:

ClinVar aggregate classification (germline): Likely benign (1 of 4 stars; one submission).

Submission:

CeGaT Center for Human Genetics Tuebingen
Classification: Likely benign. Last evaluated: 2025-12-01. Review status: criteria provided, single submitter. Criteria: CeGaT Center For Human Genetics Tuebingen Variant Classification Criteria Version 2. Collection method: clinical testing. Allele origin: germline. Affected: yes. Observed: 1 variant allele.
Comment: HERC2: BP4, BP7

NM_004667.6(HERC2):c.6579C>T (p.Pro2193=)

Gene: HERC2 (HECT and RLD domain containing E3 ubiquitin protein ligase 2; minus strand). Cytogenetic location: 15q13.1.
Variant type: single nucleotide variant.
Coding change: c.6579C>T on transcript NM_004667.6 (MANE Select); coding-DNA position 6579, C replaced by T.
Protein change: p.Pro2193=; no amino-acid change (proline 2193 retained).
Molecular consequence: synonymous variant.
Genome position (GRCh38, 1-based): chr15:28,213,949, G>A on the plus strand (C>T on the coding strand, the complement: HERC2 is on the minus strand). VCF-style: chr15-28213949-G-A. GRCh37 (hg19) VCF-style: chr15-28459095-G-A.
Identifiers: ClinVar variation 4681285 (VCV004681285.5).